The following is an entry in ClinVar:

NM_000260.4(MYO7A):c.805A>C (p.Lys269Gln)

Gene: MYO7A (myosin VIIA; plus strand). Cytogenetic location: 11q13.5.
Variant type: single nucleotide variant.
Coding change: c.805A>C on transcript NM_000260.4 (MANE Select); coding-DNA position 805, A replaced by C.
Protein change: p.Lys269Gln; replaces lysine 269 with glutamine.
Molecular consequence: missense variant.
Genome position (GRCh38, 1-based): chr11:77,157,348, A>C. VCF-style: chr11-77157348-A-C. GRCh37 (hg19) VCF-style: chr11-76868394-A-C.
Other names: c.805A>C, p.Lys269Gln (NM_001127180.2); c.772A>C, p.Lys258Gln (NM_001369365.1); short protein forms K258Q, K269Q.
Identifiers: ClinVar variation 1899018 (VCV001899018.5), dbSNP rs782617438, ClinGen allele CA6197254.

ClinVar aggregate classification (germline): Uncertain significance (1 of 4 stars; one submission).

Allele frequency attached by ClinVar (database versions not stated): gnomAD exomes below 0.00001; ExAC 0.00001.
gnomAD v4.1: 1 of 1,612,230 alleles (0.000062%); highest among the groups gnomAD compares: South Asian, 0.0011%; no homozygotes.

Submission:

Labcorp Genetics (formerly Invitae), Labcorp
Classification: Uncertain significance. Last evaluated: 2023-05-20. Review status: criteria provided, single submitter. Criteria: Invitae Variant Classification Sherloc (09022015). Collection method: clinical testing. Allele origin: germline.
Comment: Advanced modeling of protein sequence and biophysical properties (such as structural, functional, and spatial information, amino acid conservation, physicochemical variation, residue mobility, and thermodynamic stability) performed at Invitae indicates that this missense variant is not expected to disrupt MYO7A protein function. ClinVar contains an entry for this variant (Variation ID: 1899018). This variant has not been reported in the literature in individuals affected with MYO7A-related conditions. This variant is present in population databases (rs782617438, gnomAD 0.003%). This sequence change replaces lysine, which is basic and polar, with glutamine, which is neutral and polar, at codon 269 of the MYO7A protein (p.Lys269Gln). In summary, the available evidence is currently insufficient to determine the role of this variant in disease. Therefore, it has been classified as a Variant of Uncertain Significance.